The following is an entry in ClinVar:

ClinVar aggregate classification (germline): Pathogenic/Likely pathogenic. Review status: criteria provided, multiple submitters, no conflicts (2 of 4 stars). 2 submissions from 2 submitters: Pathogenic (1); Likely pathogenic (1). Last evaluated 2024-03-13.

Conditions:
Hawkinsinuria. Identifiers: Orphanet 2118, MedGen C2931042, MONDO:0007700, OMIM 140350, HP:0034457.
Tyrosinemia type III. Also called: Tyrosinemia type 3; 4-alpha hydroxyphenylpyruvic acid oxidase deficiency; 4-alpha hydroxyphenylpyruvate dioxygenase deficiency; 4-Hydroxyphenylpyruvate dioxygenase deficiency; 4-HYDROXYPHENYLPYRUVIC ACID OXIDASE DEFICIENCY. Identifiers: Orphanet 69723, MedGen C0268623, MONDO:0010162, OMIM 276710.

Allele frequency attached by ClinVar (database versions not stated): ExAC 0.00001; gnomAD 0.00001.
gnomAD v4.1: 6 of 1,614,038 alleles (0.00037%); highest among the groups gnomAD compares: Non-Finnish European, 0.000085%; no homozygotes.

Submissions (2):

Fulgent Genetics
Classification: Likely pathogenic for Hawkinsinuria; Tyrosinemia type III. Last evaluated: 2024-03-13. Review status: criteria provided, single submitter. Criteria: ACMG Guidelines, 2015. Collection method: clinical testing. Allele origin: germline.

Labcorp Genetics (formerly Invitae), Labcorp
Classification: Pathogenic for Tyrosinemia type III; Hawkinsinuria. Last evaluated: 2023-11-18. Review status: criteria provided, single submitter. Criteria: Invitae Variant Classification Sherloc (09022015). Collection method: clinical testing. Allele origin: germline.
Comment: This sequence change creates a premature translational stop signal (p.Gln205*) in the HPD gene. It is expected to result in an absent or disrupted protein product. Loss-of-function variants in HPD are known to be pathogenic (PMID: 10942115, 23036342). This variant is present in population databases (rs762267460, gnomAD 0.01%). This variant has not been reported in the literature in individuals affected with HPD-related conditions. ClinVar contains an entry for this variant (Variation ID: 2153024). For these reasons, this variant has been classified as Pathogenic.

Literature cited by the submitters: PubMed 10942115 (cited by Labcorp Genetics (formerly Invitae), Labcorp); PubMed 23036342 (cited by Labcorp Genetics (formerly Invitae), Labcorp).

NM_002150.3(HPD):c.613C>T (p.Gln205Ter)

Genes: HPD (4-hydroxyphenylpyruvate dioxygenase; minus strand), TIALD (transcript inducer of AURKA lysosomal degradation; plus strand). Cytogenetic location: 12q24.31.
Variant type: single nucleotide variant.
Coding change: c.613C>T on transcript NM_002150.3 (MANE Select); coding-DNA position 613, C replaced by T.
Protein change: p.Gln205Ter; replaces glutamine 205 with a stop codon.
Molecular consequence: nonsense.
Genome position (GRCh38, 1-based): chr12:121,847,198, G>A on the plus strand (C>T on the coding strand, the complement: HPD is on the minus strand). VCF-style: chr12-121847198-G-A. GRCh37 (hg19) VCF-style: chr12-122285104-G-A.
Other names: c.496C>T, p.Gln166Ter (NM_001171993.2); short protein forms Q166*, Q205*.
Identifiers: ClinVar variation 2153024 (VCV002153024.5), dbSNP rs762267460, ClinGen allele CA6839589.